The following is an entry in ClinVar:

NM_014425.5(INVS):c.1065A>C (p.Lys355Asn)

Gene: INVS (inversin; plus strand). Cytogenetic location: 9q31.1.
Variant type: single nucleotide variant.
Coding change: c.1065A>C on transcript NM_014425.5 (MANE Select); coding-DNA position 1065, A replaced by C.
Protein change: p.Lys355Asn; replaces lysine 355 with asparagine.
Molecular consequence: missense variant. On other transcripts: non-coding transcript variant (1).
Genome position (GRCh38, 1-based): chr9:100,246,774, A>C. VCF-style: chr9-100246774-A-C. GRCh37 (hg19) VCF-style: chr9-103009056-A-C.
Other names: c.777A>C, p.Lys259Asn (NM_001318381.2); c.87A>C, p.Lys29Asn (NM_001318382.2); short protein forms K29N, K355N, K259N.
Identifiers: ClinVar variation 1520062 (VCV001520062.5), dbSNP rs146667666, ClinGen allele CA5158314.
Genomic context (GRCh38, chr9:100,246,774, plus strand): 5'-TGATGTCCTTAGAACTATGCTGAGCTTAAAATCGGACATAGATATTAACATGGCTGACAA[A>C]TATGGAGGTACAGGTGAGAACTGGTGGACACATTCAATTTGCTTTCATTTAGGTTCCAAA-3'
Protein context (NP_055240.2, residues 345-365): KSDIDINMAD[Lys355Asn]YGGTALHAAA

ClinVar aggregate classification (germline): Uncertain significance (1 of 4 stars; one submission).

Conditions:
Nephronophthisis. Also called: Juvenile Nephronophthisis. Identifiers: Orphanet 655, MedGen C0687120, MONDO:0019005, HP:0000090.

Allele frequency attached by ClinVar (database versions not stated): gnomAD exomes 0.00001; ExAC 0.00002; gnomAD 0.00003; TOPMed 0.00003; ESP Exome Variant Server 0.00008.
gnomAD v4.1: 4 of 1,613,920 alleles (0.00025%); highest among the groups gnomAD compares: African/African-American, 0.0053%; no homozygotes.

Submission:

Labcorp Genetics (formerly Invitae), Labcorp
Classification: Uncertain significance for Nephronophthisis. Last evaluated: 2021-08-28. Review status: criteria provided, single submitter. Criteria: Invitae Variant Classification Sherloc (09022015). Collection method: clinical testing. Allele origin: germline.
Comment: This sequence change replaces lysine with asparagine at codon 355 of the INVS protein (p.Lys355Asn). The lysine residue is highly conserved and there is a moderate physicochemical difference between lysine and asparagine. This variant is present in population databases (rs146667666, ExAC 0.02%). This variant has not been reported in the literature in individuals affected with INVS-related conditions. Algorithms developed to predict the effect of missense changes on protein structure and function (SIFT, PolyPhen-2, Align-GVGD) all suggest that this variant is likely to be disruptive. In summary, the available evidence is currently insufficient to determine the role of this variant in disease. Therefore, it has been classified as a Variant of Uncertain Significance.